The following is an entry in ClinVar:

NM_015978.3(TNNI3K):c.1435A>G (p.Lys479Glu)

Genes: FPGT-TNNI3K (FPGT-TNNI3K readthrough; plus strand), TNNI3K (TNNI3 interacting kinase; plus strand). Cytogenetic location: 1p31.1.
Variant type: single nucleotide variant.
Coding change: c.1435A>G on transcript NM_015978.3 (MANE Select); coding-DNA position 1435, A replaced by G.
Protein change: p.Lys479Glu; replaces lysine 479 with glutamic acid.
Molecular consequence: missense variant.
Genome position (GRCh38, 1-based): chr1:74,369,227, A>G. VCF-style: chr1-74369227-A-G. GRCh37 (hg19) VCF-style: chr1-74834911-A-G.
Other names: c.1738A>G, p.Lys580Glu (NM_001112808.3, NM_001199327.2); short protein forms K479E, K580E.
Identifiers: ClinVar variation 1312335 (VCV001312335.4), dbSNP rs2100519875, ClinGen allele CA340785956.

ClinVar aggregate classification (germline): Uncertain significance. Review status: criteria provided, multiple submitters, no conflicts (2 of 4 stars). 2 submissions from 2 submitters: Uncertain significance (2). Last evaluated 2024-02-01.

Submissions (2):

Labcorp Genetics (formerly Invitae), Labcorp
Classification: Uncertain significance. Last evaluated: 2024-02-01. Review status: criteria provided, single submitter. Criteria: Invitae Variant Classification Sherloc (09022015). Collection method: clinical testing. Allele origin: germline.
Comment: This sequence change replaces lysine, which is basic and polar, with glutamic acid, which is acidic and polar, at codon 479 of the TNNI3K protein (p.Lys479Glu). This variant is not present in population databases (gnomAD no frequency). This variant has not been reported in the literature in individuals affected with TNNI3K-related conditions. ClinVar contains an entry for this variant (Variation ID: 1312335). Advanced modeling of protein sequence and biophysical properties (such as structural, functional, and spatial information, amino acid conservation, physicochemical variation, residue mobility, and thermodynamic stability) has been performed at Invitae for this missense variant, however the output from this modeling did not meet the statistical confidence thresholds required to predict the impact of this variant on TNNI3K protein function. In summary, the available evidence is currently insufficient to determine the role of this variant in disease. Therefore, it has been classified as a Variant of Uncertain Significance.

GeneDx
Classification: Uncertain significance. Last evaluated: 2019-09-18. Review status: criteria provided, single submitter. Criteria: GeneDx Variant Classification Process June 2021. Collection method: clinical testing. Allele origin: germline. Affected: yes.
Comment: Not observed in large population cohorts (Lek et al., 2016); In silico analysis, which includes protein predictors and evolutionary conservation, supports a deleterious effect; Has not been previously published as pathogenic or benign to our knowledge